The following is an entry in ClinVar:

NM_006514.4(SCN10A):c.3544G>T (p.Val1182Leu)

Gene: SCN10A (sodium voltage-gated channel alpha subunit 10; minus strand). Cytogenetic location: 3p22.2.
Variant type: single nucleotide variant.
Coding change: c.3544G>T on transcript NM_006514.4 (MANE Select); coding-DNA position 3544, G replaced by T.
Protein change: p.Val1182Leu; replaces valine 1182 with leucine.
Molecular consequence: missense variant.
Genome position (GRCh38, 1-based): chr3:38,718,790, C>A on the plus strand (G>T on the coding strand, the complement: SCN10A is on the minus strand). VCF-style: chr3-38718790-C-A. GRCh37 (hg19) VCF-style: chr3-38760281-C-A.
Other names: c.3541G>T, p.Val1181Leu (NM_001293306.2); c.3250G>T, p.Val1084Leu (NM_001293307.2); short protein forms V1084L, V1181L, V1182L.
Identifiers: ClinVar variation 1303892 (VCV001303892.2), dbSNP rs1396134485, ClinGen allele CA352153389.

ClinVar aggregate classification (germline): Uncertain significance (1 of 4 stars; one submission).

Allele frequency attached by ClinVar (database versions not stated): gnomAD exomes below 0.00001 and 0.00001; gnomAD 0.00001.

Submission:

GeneDx
Classification: Uncertain significance. Last evaluated: 2019-04-05. Review status: criteria provided, single submitter. Criteria: GeneDx Variant Classification Process June 2021. Collection method: clinical testing. Allele origin: germline. Affected: yes.
Comment: Has not been previously published as pathogenic or benign to our knowledge; Not observed at a significant frequency in large population cohorts (Lek et al., 2016); In silico analysis, which includes protein predictors and evolutionary conservation, supports that this variant does not alter protein structure/function